The following is an entry in ClinVar:

NM_015443.4(KANSL1):c.145A>T (p.Thr49Ser)

Gene: KANSL1 (KAT8 regulatory NSL complex subunit 1). Cytogenetic location: 17q21.31.
Variant type: single nucleotide variant.
Coding change: c.145A>T on transcript NM_015443.4 (MANE Select); coding-DNA position 145, A replaced by T.
Protein change: p.Thr49Ser; replaces threonine 49 with serine.
Molecular consequence: missense variant. On other transcripts: intron variant (4).
Genome position (GRCh38, 1-based): chr17:46,171,999, T>A on the plus strand (A>T on the coding strand, the complement: KANSL1 is on the minus strand). VCF-style: chr17-46171999-T-A. GRCh37 (hg19) VCF-style: chr17-44249365-T-A.
Other names: c.23+51672A>T (NM_001405885.1, NM_001405884.1, NM_001405883.1 and 1 more transcripts); c.145A>T, p.Thr49Ser (NM_001405876.1, NM_001405877.1, NM_001405878.1 and 18 more transcripts); short protein forms T49S.
Identifiers: ClinVar variation 4531128 (VCV004531128.1).

ClinVar aggregate classification (germline): Uncertain significance (1 of 4 stars; one submission).

Submission:

GeneDx
Classification: Uncertain significance. Last evaluated: 2025-05-23. Review status: criteria provided, single submitter. Criteria: GeneDx Variant Classification Process June 2021. Collection method: clinical testing. Allele origin: germline. Affected: yes.
Comment: Not observed at significant frequency in large population cohorts (gnomAD); In silico analysis suggests that this missense variant does not alter protein structure/function; Has not been previously published as pathogenic or benign to our knowledge